The following is an entry in ClinVar:

ClinVar aggregate classification (germline): Likely pathogenic. Review status: criteria provided, multiple submitters, no conflicts (2 of 4 stars). 3 submissions from 3 submitters: Likely pathogenic (2). 1 of the submissions does not count toward it. Last evaluated 2022-07-19.

Conditions:
Charcot-Marie-Tooth disease, type I (CMT1). Also called: Charcot-Marie-Tooth, Type 1; Charcot-Marie-Tooth disease type 1. Identifiers: Orphanet 65753, MedGen C0751036, MONDO:0019011.
Hereditary liability to pressure palsies (HNPP). Also called: POLYNEUROPATHY, FAMILIAL RECURRENT; TOMACULOUS NEUROPATHY; Hereditary Neuropathy with Liability to Pressure Palsies. Identifiers: Orphanet 640, MedGen C0393814, MONDO:0008087, OMIM 162500.
Charcot-Marie-Tooth disease type 1E. Also called: Charcot-Marie-Tooth Neuropathy Type 1E; CHARCOT-MARIE-TOOTH DISEASE, DEMYELINATING, TYPE 1E; CHARCOT-MARIE-TOOTH NEUROPATHY AND DEAFNESS, AUTOSOMAL DOMINANT; Charcot-Marie-Tooth disease and deafness. Identifiers: Orphanet 90658, MedGen C3495591, MONDO:0007311, OMIM 118300.
Charcot-Marie-Tooth disease, type IA (CMT1A). Also called: CHARCOT-MARIE-TOOTH DISEASE, DEMYELINATING, TYPE 1A; CHARCOT-MARIE-TOOTH DISEASE, AUTOSOMAL DOMINANT, WITH FOCALLY FOLDED MYELIN SHEATHS, TYPE 1A; CHARCOT-MARIE-TOOTH NEUROPATHY, TYPE 1A; HEREDITARY MOTOR AND SENSORY NEUROPATHY IA; Charcot-Marie-Tooth disease type 1A; CMT 1A. Identifiers: Orphanet 101081, MedGen C0270911, MONDO:0007309, OMIM 118220.
Charcot-Marie-Tooth disease. Also called: Charcot-Marie-Tooth Neuropathy; Charcot-Marie-Tooth Hereditary Neuropathy. Identifiers: Orphanet 166, MedGen C0007959, MONDO:0015626.

Submissions (3):

GeneDx
Classification: Likely pathogenic. Last evaluated: 2022-07-19. Review status: criteria provided, single submitter. Criteria: GeneDx Variant Classification Process June 2021. Collection method: clinical testing. Allele origin: germline. Affected: yes.
Comment: Identified in a patient with Charcot-Marie-Tooth disease in the published literature, but additional clinical information and familial segregation studies were not included (Takashima et al., 2001); Not observed at significant frequency in large population cohorts (gnomAD); In silico analysis supports that this missense variant has a deleterious effect on protein structure/function; This variant is associated with the following publications: (PMID: 11545686)

Labcorp Genetics (formerly Invitae), Labcorp
Classification: Likely pathogenic for Charcot-Marie-Tooth disease, type I. Last evaluated: 2022-05-18. Review status: criteria provided, single submitter. Criteria: Invitae Variant Classification Sherloc (09022015). Collection method: clinical testing. Allele origin: germline.
Comment: In summary, the currently available evidence indicates that the variant is pathogenic, but additional data are needed to prove that conclusively. Therefore, this variant has been classified as Likely Pathogenic. Algorithms developed to predict the effect of sequence changes on RNA splicing suggest that this variant may create or strengthen a splice site. Advanced modeling of protein sequence and biophysical properties (such as structural, functional, and spatial information, amino acid conservation, physicochemical variation, residue mobility, and thermodynamic stability) performed at Invitae indicates that this missense variant is expected to disrupt PMP22 protein function. ClinVar contains an entry for this variant (Variation ID: 637842). This missense change has been observed in individuals with Charcot-Marie-Tooth disease (PMID: 11545686; Invitae). This variant is not present in population databases (gnomAD no frequency). This sequence change replaces tryptophan, which is neutral and slightly polar, with arginine, which is basic and polar, at codon 140 of the PMP22 protein (p.Trp140Arg).

Inherited Neuropathy Consortium
Classification: Uncertain significance for Charcot-Marie-Tooth disease. Review status: no assertion criteria provided. Collection method: literature only. Allele origin: germline. Affected: yes. Not counted in ClinVar's aggregate classification.

Literature cited by the submitters: PubMed 11545686 (cited by Labcorp Genetics (formerly Invitae), Labcorp and Inherited Neuropathy Consortium).

NM_000304.4(PMP22):c.418T>A (p.Trp140Arg)

Gene: PMP22 (peripheral myelin protein 22; minus strand). Cytogenetic location: 17p12.
Variant type: single nucleotide variant.
Coding change: c.418T>A on transcript NM_000304.4 (MANE Select); coding-DNA position 418, T replaced by A.
Protein change: p.Trp140Arg; replaces tryptophan 140 with arginine.
Molecular consequence: missense variant. On other transcripts: non-coding transcript variant (2).
Genome position (GRCh38, 1-based): chr17:15,230,982, A>T on the plus strand (T>A on the coding strand, the complement: PMP22 is on the minus strand). VCF-style: chr17-15230982-A-T. GRCh37 (hg19) VCF-style: chr17-15134299-A-T.
Other names: c.418T>A, p.Trp140Arg (NM_001281455.2, NM_001281456.2, NM_153321.3 and 1 more transcripts); short protein forms W140R.
Identifiers: ClinVar variation 637842 (VCV000637842.11), dbSNP rs1555564040, ClinGen allele CA398739583.
Genomic context (GRCh38, chr17:15,230,982, plus strand): 5'-CGCGTTTCCGCAAGATCACATAGATGACACCGCTGAGAAGGGCCAGGGGGAAGGCCACCC[A>T]GGCCAGGATGTAGGCGAAACCGTAGGAGTAATCCGAGTTGAGATGCCACTCCGGGTGCCT-3'
Protein context (NP_000295.1, residues 130-150): YSYGFAYILA[Trp140Arg]VAFPLALLSG